The following is an entry in ClinVar:

NM_000093.5(COL5A1):c.999C>T (p.Val333=)

Gene: COL5A1 (collagen type V alpha 1 chain; plus strand). Cytogenetic location: 9q34.3.
Variant type: single nucleotide variant.
Coding change: c.999C>T on transcript NM_000093.5 (MANE Select); coding-DNA position 999, C replaced by T.
Protein change: p.Val333=; no amino-acid change (valine 333 retained).
Molecular consequence: synonymous variant.
Genome position (GRCh38, 1-based): chr9:134,730,310, C>T. VCF-style: chr9-134730310-C-T. GRCh37 (hg19) VCF-style: chr9-137622156-C-T.
Other names: c.999C>T, p.Val333= (NM_001278074.1).
Identifiers: ClinVar variation 529281 (VCV000529281.33), dbSNP rs138702819, ClinGen allele CA5318614.

ClinVar aggregate classification (germline): Likely benign. Review status: criteria provided, multiple submitters, no conflicts (2 of 4 stars). 3 submissions from 3 submitters: Likely benign (3). Last evaluated 2026-01-19.

Conditions:
Familial thoracic aortic aneurysm and aortic dissection (TAAD). Also called: Thoracic aortic aneurysms and dissections. Identifiers: Orphanet 91387, MedGen C4707243, MONDO:0019625.
Ehlers-Danlos syndrome, classic type, 1 (EDSCL1). Also called: Ehlers-Danlos Syndrome, Classic Type, COL5A1-Related; EDS I; Ehlers-Danlos syndrome, type 1; EHLERS-DANLOS SYNDROME, GRAVIS TYPE; EHLERS-DANLOS SYNDROME, SEVERE CLASSIC TYPE. Identifiers: MedGen C0268335, MONDO:0019567, OMIM 130000.

Allele frequency attached by ClinVar (database versions not stated): gnomAD exomes 0.00002 and 0.00005; ExAC 0.00007; gnomAD 0.00019 and 0.00020; TOPMed 0.00022; ESP Exome Variant Server 0.00031; 1000 Genomes Project 30x 0.00047; 1000 Genomes Project 0.00060.
gnomAD v4.1: 60 of 1,614,232 alleles (0.0037%); highest among the groups gnomAD compares: African/African-American, 0.049%; no homozygotes.

Submissions (3):

Labcorp Genetics (formerly Invitae), Labcorp
Classification: Likely benign for Ehlers-Danlos syndrome, classic type, 1. Last evaluated: 2026-01-19. Review status: criteria provided, single submitter. Criteria: Invitae Variant Classification Sherloc (09022015). Collection method: clinical testing. Allele origin: germline.

CeGaT Center for Human Genetics Tuebingen
Classification: Likely benign. Last evaluated: 2024-03-01. Review status: criteria provided, single submitter. Criteria: CeGaT Center For Human Genetics Tuebingen Variant Classification Criteria Version 2. Collection method: clinical testing. Allele origin: germline. Affected: yes. Observed: 1 variant allele.
Comment: COL5A1: BP4, BP7

Ambry Genetics
Classification: Likely benign for Familial thoracic aortic aneurysm and aortic dissection. Last evaluated: 2022-09-02. Review status: criteria provided, single submitter. Criteria: Ambry Variant Classification Scheme 2023. Collection method: clinical testing. Allele origin: germline.